The following is an entry in ClinVar:

ClinVar aggregate classification (germline): Pathogenic/Likely pathogenic. Review status: criteria provided, multiple submitters, no conflicts (2 of 4 stars). 3 submissions from 3 submitters: Pathogenic (1); Likely pathogenic (2). Last evaluated 2025-10-21.

Conditions:
3-Oxo-5 alpha-steroid delta 4-dehydrogenase deficiency (PPSH). Also called: MALE PSEUDOHERMAPHRODITISM DUE TO 5-ALPHA-REDUCTASE DEFICIENCY; 46,XY disorder of sex development due to 5-alpha-reductase 2 deficiency; PSEUDOVAGINAL PERINEOSCROTAL HYPOSPADIAS; FAMILIAL INCOMPLETE MALE PSEUDOHERMAPHRODITISM, TYPE 2. Identifiers: Orphanet 753, MedGen C0268297, MONDO:0009923, OMIM 264600. Disease mechanism: loss of function.
Differences in sex development.

Allele frequency attached by ClinVar (database versions not stated): ExAC below 0.00001; gnomAD exomes below 0.00001; TOPMed below 0.00001; gnomAD 0.00001.
gnomAD v4.1: 5 of 1,585,634 alleles (0.00032%); highest among the groups gnomAD compares: Non-Finnish European, 0.00043%; no homozygotes.

Submissions (3):

NHS Central & South Genomic Laboratory Hub
Classification: Likely pathogenic for Differences in sex development. Last evaluated: 2025-10-21. Review status: criteria provided, single submitter. Criteria: ACMG Guidelines, 2015. Collection method: clinical testing. Allele origin: germline. Affected: yes.

Clinical Biochemistry Laboratory, Health Services Laboratory
Classification: Pathogenic for 3-Oxo-5 alpha-steroid delta 4-dehydrogenase deficiency. Last evaluated: 2023-11-20. Review status: criteria provided, single submitter. Criteria: ACMG Guidelines, 2015. Collection method: clinical testing. Allele origin: germline. Affected: yes.
Comment: ACMG:PS5 PM2 PM3 PP4 PP5

Labcorp Genetics (formerly Invitae), Labcorp
Classification: Likely pathogenic for 3-Oxo-5 alpha-steroid delta 4-dehydrogenase deficiency. Last evaluated: 2023-03-22. Review status: criteria provided, single submitter. Criteria: Invitae Variant Classification Sherloc (09022015). Collection method: clinical testing. Allele origin: germline.
Comment: This sequence change replaces threonine, which is neutral and polar, with proline, which is neutral and non-polar, at codon 120 of the SRD5A2 protein (p.Thr120Pro). This variant is present in population databases (rs764433016, gnomAD 0.001%). This missense change has been observed in individuals with 5-alpha-reductase deficiency (PMID: 21402750). ClinVar contains an entry for this variant (Variation ID: 582210). Advanced modeling of protein sequence and biophysical properties (such as structural, functional, and spatial information, amino acid conservation, physicochemical variation, residue mobility, and thermodynamic stability) performed at Invitae indicates that this missense variant is not expected to disrupt SRD5A2 protein function. In summary, the currently available evidence indicates that the variant is pathogenic, but additional data are needed to prove that conclusively. Therefore, this variant has been classified as Likely Pathogenic.

Literature cited by the submitters: PubMed 21402750 (cited by Clinical Biochemistry Laboratory, Health Services Laboratory and Labcorp Genetics (formerly Invitae), Labcorp).

NM_000348.4(SRD5A2):c.358A>C (p.Thr120Pro)

Gene: SRD5A2 (steroid 5 alpha-reductase 2; minus strand). Cytogenetic location: 2p23.1.
Variant type: single nucleotide variant.
Coding change: c.358A>C on transcript NM_000348.4 (MANE Select); coding-DNA position 358, A replaced by C.
Protein change: p.Thr120Pro; replaces threonine 120 with proline.
Molecular consequence: missense variant.
Genome position (GRCh38, 1-based): chr2:31,533,690, T>G on the plus strand (A>C on the coding strand, the complement: SRD5A2 is on the minus strand). VCF-style: chr2-31533690-T-G. GRCh37 (hg19) VCF-style: chr2-31758760-T-G.
Other names: short protein forms T120P.
Identifiers: ClinVar variation 582210 (VCV000582210.7), dbSNP rs764433016, ClinGen allele CA1599955.